The following is an entry in ClinVar:

ClinVar aggregate classification (germline): Uncertain significance. Review status: criteria provided, multiple submitters, no conflicts (2 of 4 stars). 2 submissions from 2 submitters: Uncertain significance (2). Last evaluated 2022-10-24.

Allele frequency attached by ClinVar (database versions not stated): gnomAD exomes 0.00001 and 0.00002; ExAC 0.00003; ESP Exome Variant Server 0.00008; TOPMed 0.00010; gnomAD 0.00013; 1000 Genomes Project 0.00040; 1000 Genomes Project 30x 0.00062.
gnomAD v4.1: 27 of 1,611,042 alleles (0.0017%); highest among the groups gnomAD compares: African/African-American, 0.025%; no homozygotes.

Submissions (2):

Labcorp Genetics (formerly Invitae), Labcorp
Classification: Uncertain significance. Last evaluated: 2022-10-24. Review status: criteria provided, single submitter. Criteria: Invitae Variant Classification Sherloc (09022015). Collection method: clinical testing. Allele origin: germline.
Comment: In summary, the available evidence is currently insufficient to determine the role of this variant in disease. Therefore, it has been classified as a Variant of Uncertain Significance. Advanced modeling of protein sequence and biophysical properties (such as structural, functional, and spatial information, amino acid conservation, physicochemical variation, residue mobility, and thermodynamic stability) performed at Invitae indicates that this missense variant is not expected to disrupt PYCR1 protein function. ClinVar contains an entry for this variant (Variation ID: 1327808). This variant has not been reported in the literature in individuals affected with PYCR1-related conditions. This variant is present in population databases (rs143893414, gnomAD 0.02%). This sequence change replaces valine, which is neutral and non-polar, with isoleucine, which is neutral and non-polar, at codon 231 of the PYCR1 protein (p.Val231Ile).

GeneDx
Classification: Uncertain significance. Last evaluated: 2021-11-12. Review status: criteria provided, single submitter. Criteria: GeneDx Variant Classification Process June 2021. Collection method: clinical testing. Allele origin: germline. Affected: yes.
Comment: Has not been previously published as pathogenic or benign to our knowledge; In silico analysis supports that this missense variant does not alter protein structure/function

NM_006907.4(PYCR1):c.691G>A (p.Val231Ile)

Gene: PYCR1 (pyrroline-5-carboxylate reductase 1; minus strand). Cytogenetic location: 17q25.3.
Variant type: single nucleotide variant.
Coding change: c.691G>A on transcript NM_006907.4 (MANE Select); coding-DNA position 691, G replaced by A.
Protein change: p.Val231Ile; replaces valine 231 with isoleucine.
Molecular consequence: missense variant. On other transcripts: intron variant (1).
Genome position (GRCh38, 1-based): chr17:81,934,432, C>T on the plus strand (G>A on the coding strand, the complement: PYCR1 is on the minus strand). VCF-style: chr17-81934432-C-T. GRCh37 (hg19) VCF-style: chr17-79892308-C-T.
Other names: c.598G>A, p.Val200Ile (NM_001282279.2); c.691G>A, p.Val231Ile (NM_001282280.2, NM_153824.3); c.772G>A, p.Val258Ile (NM_001282281.2); c.633+221G>A (NM_001330523.2); short protein forms V200I, V231I, V258I.
Identifiers: ClinVar variation 1327808 (VCV001327808.7), dbSNP rs143893414, ClinGen allele CA8845343.
Genomic context (GRCh38, chr17:81,934,432, plus strand): 5'-GGAAGCCCCCACTCTCCAGCACATGCAAGGCATGGATGGTGGCCCCACCAGGAGAGCTGA[C>T]GTTGTCCTTGAGCTGGCCTGGGTGCTGTTCTGAGTGCAGCAGCATCTTGGCAGCCCCCTG-3'
Protein context (NP_008838.2, residues 221-241): EQHPGQLKDN[Val231Ile]SSPGGATIHA